The following is an entry in ClinVar:

NM_012120.3(CD2AP):c.1632+8G>T

Gene: CD2AP (CD2 associated protein; plus strand). Cytogenetic location: 6p12.3.
Variant type: single nucleotide variant.
Coding change: c.1632+8G>T on transcript NM_012120.3 (MANE Select); 8 bases into the intron after coding-DNA position 1632, G replaced by T.
Molecular consequence: intron variant.
Genome position (GRCh38, 1-based): chr6:47,608,036, G>T. VCF-style: chr6-47608036-G-T. GRCh37 (hg19) VCF-style: chr6-47575772-G-T.
Other names: p.?.
Identifiers: ClinVar variation 260186 (VCV000260186.22), dbSNP rs77917916, ClinGen allele CA3844393.

ClinVar aggregate classification (germline): Benign/Likely benign. Review status: criteria provided, multiple submitters, no conflicts (2 of 4 stars). 7 submissions from 7 submitters: Benign (4); Likely benign (3). Last evaluated 2026-02-01.

Conditions:
Focal segmental glomerulosclerosis 3, susceptibility to (FSGS3). Identifiers: Orphanet 656, MedGen C1842982, MONDO:0011917, OMIM 607832.
Kidney disorder. Also called: renal disease; Nephropathy; Kidney disease; Kidney Diseases; renal disorder. Identifiers: MedGen C0022658, MONDO:0005240, HP:0000112.

Allele frequency attached by ClinVar (database versions not stated): gnomAD exomes 0.00684 and 0.00908; gnomAD 0.01415 and 0.01414; TOPMed 0.01461; ESP Exome Variant Server 0.01645; 1000 Genomes Project 30x 0.01874; 1000 Genomes Project 0.01877; ExAC 0.00997.
gnomAD v4.1: 12,102 of 1,586,924 alleles (0.76%); highest among the groups gnomAD compares: African/African-American, 3.4%; 114 homozygotes.

Submissions (7):

Labcorp Genetics (formerly Invitae), Labcorp
Classification: Benign. Last evaluated: 2026-02-01. Review status: criteria provided, single submitter. Criteria: Invitae Variant Classification Sherloc (09022015). Collection method: clinical testing. Allele origin: germline.

Mayo Clinic Laboratories, Mayo Clinic
Classification: Benign. Last evaluated: 2024-07-03. Review status: criteria provided, single submitter. Criteria: ACMG Guidelines, 2015. Collection method: clinical testing. Allele origin: germline. Observed: 5 variant alleles.
Comment: BS1, BS2, BP4, BP7

Genome Diagnostics Laboratory, The Hospital for Sick Children
Classification: Likely benign for Kidney disorder. Last evaluated: 2022-09-07. Review status: criteria provided, single submitter. Criteria: ACMG Guidelines, 2015. Collection method: clinical testing. Allele origin: germline.

GeneDx
Classification: Likely benign. Last evaluated: 2020-04-20. Review status: criteria provided, single submitter. Criteria: GeneDx Variant Classification Process June 2021. Collection method: clinical testing. Allele origin: germline. Affected: yes.

Illumina Laboratory Services, Illumina
Classification: Benign for Focal segmental glomerulosclerosis 3, susceptibility to. Last evaluated: 2018-01-12. Review status: criteria provided, single submitter. Criteria: ICSL Variant Classification Criteria 13 December 2019. Collection method: clinical testing. Allele origin: germline.
Comment: This variant was observed in the ICSL laboratory as part of a predisposition screen in an ostensibly healthy population. It had not been previously curated by ICSL or reported in the Human Gene Mutation Database (HGMD: prior to June 1st, 2018), and was therefore a candidate for classification through an automated scoring system. Utilizing variant allele frequency, disease prevalence and penetrance estimates, and inheritance mode, an automated score was calculated to assess if this variant is too frequent to cause the disease. Based on the score and internal cut-off values, a variant classified as benign is not then subjected to further curation. The score for this variant resulted in a classification of benign for this disease.

Breakthrough Genomics
Classification: Likely benign. Review status: criteria provided, single submitter. Criteria: ACMG Guidelines, 2015. Collection method: not provided. Allele origin: germline. Inheritance: Unknown mechanism. Affected: yes.

PreventionGenetics, part of Exact Sciences
Classification: Benign. Review status: criteria provided, single submitter. Criteria: ACMG Guidelines, 2015. Collection method: clinical testing. Allele origin: germline.